The following is an entry in ClinVar:

NM_001352514.2(HLCS):c.2432A>G (p.Tyr811Cys)

Gene: HLCS (holocarboxylase synthetase; minus strand). Cytogenetic location: 21q22.13.
Variant type: single nucleotide variant.
Coding change: c.2432A>G on transcript NM_001352514.2 (MANE Select); coding-DNA position 2432, A replaced by G.
Protein change: p.Tyr811Cys; replaces tyrosine 811 with cysteine.
Molecular consequence: missense variant. On other transcripts: non-coding transcript variant (2).
Genome position (GRCh38, 1-based): chr21:36,756,560, T>C on the plus strand (A>G on the coding strand, the complement: HLCS is on the minus strand). VCF-style: chr21-36756560-T-C. GRCh37 (hg19) VCF-style: chr21-38128861-T-C.
Other names: c.1991A>G, p.Tyr664Cys (NM_000411.8, NM_001242784.3, NM_001242785.2 and 4 more transcripts); short protein forms Y664C, Y811C.
Identifiers: ClinVar variation 339957 (VCV000339957.10), dbSNP rs776535574, ClinGen allele CA10020265.

ClinVar aggregate classification (germline): Uncertain significance. Review status: criteria provided, multiple submitters, no conflicts (2 of 4 stars). 5 submissions from 5 submitters: Uncertain significance (4). 1 of the submissions does not count toward it. Last evaluated 2025-04-01.

Conditions:
Holocarboxylase synthetase deficiency. Also called: MULTIPLE CARBOXYLASE DEFICIENCY, EARLY ONSET. Identifiers: Orphanet 79242, MedGen C0268581, MONDO:0009666, OMIM 253270.
Inborn genetic diseases. Identifiers: MedGen C0950123, MeSH D030342.

Allele frequency attached by ClinVar (database versions not stated): TOPMed 0.00007; ExAC 0.00009; gnomAD 0.00009 and 0.00010; gnomAD exomes 0.00010 and 0.00013.
gnomAD v4.1: 155 of 1,603,438 alleles (0.0097%); highest among the groups gnomAD compares: Middle Eastern, 0.017%; no homozygotes.

Submissions (5):

Ambry Genetics
Classification: Uncertain significance for Inborn genetic diseases. Last evaluated: 2025-04-01. Review status: criteria provided, single submitter. Criteria: Ambry Variant Classification Scheme 2023. Collection method: clinical testing. Allele origin: germline.

GeneDx
Classification: Uncertain significance. Last evaluated: 2023-11-15. Review status: criteria provided, single submitter. Criteria: GeneDx Variant Classification Process June 2021. Collection method: clinical testing. Allele origin: germline. Affected: yes.
Comment: In silico analysis supports that this missense variant has a deleterious effect on protein structure/function; Has not been previously published as pathogenic or benign to our knowledge

Labcorp Genetics (formerly Invitae), Labcorp
Classification: Uncertain significance for Holocarboxylase synthetase deficiency. Last evaluated: 2022-08-12. Review status: criteria provided, single submitter. Criteria: Invitae Variant Classification Sherloc (09022015). Collection method: clinical testing. Allele origin: germline.
Comment: This sequence change replaces tyrosine, which is neutral and polar, with cysteine, which is neutral and slightly polar, at codon 664 of the HLCS protein (p.Tyr664Cys). This variant is present in population databases (rs776535574, gnomAD 0.04%). This variant has not been reported in the literature in individuals affected with HLCS-related conditions. ClinVar contains an entry for this variant (Variation ID: 339957). Advanced modeling of protein sequence and biophysical properties (such as structural, functional, and spatial information, amino acid conservation, physicochemical variation, residue mobility, and thermodynamic stability) performed at Invitae indicates that this missense variant is expected to disrupt HLCS protein function. In summary, the available evidence is currently insufficient to determine the role of this variant in disease. Therefore, it has been classified as a Variant of Uncertain Significance.

Illumina Laboratory Services, Illumina
Classification: Uncertain significance for Holocarboxylase synthetase deficiency. Last evaluated: 2018-01-12. Review status: criteria provided, single submitter. Criteria: ICSL Variant Classification Criteria 13 December 2019. Collection method: clinical testing. Allele origin: germline.

Natera, Inc.
Classification: Uncertain significance for Holocarboxylase synthetase deficiency. Last evaluated: 2020-01-24. Review status: no assertion criteria provided. Collection method: clinical testing. Allele origin: germline. Not counted in ClinVar's aggregate classification.